The following is an entry in ClinVar:

NM_015340.4(LARS2):c.2404+4C>T

Gene: LARS2 (leucyl-tRNA synthetase 2, mitochondrial; plus strand). Cytogenetic location: 3p21.31.
Variant type: single nucleotide variant.
Coding change: c.2404+4C>T on transcript NM_015340.4 (MANE Select); 4 bases into the intron after coding-DNA position 2404, C replaced by T.
Molecular consequence: intron variant.
Genome position (GRCh38, 1-based): chr3:45,524,112, C>T. VCF-style: chr3-45524112-C-T. GRCh37 (hg19) VCF-style: chr3-45565604-C-T.
Other names: c.2404+4C>T (NM_001368263.1).
Identifiers: ClinVar variation 228790 (VCV000228790.10), dbSNP rs199693918, ClinGen allele CA2349872.

ClinVar aggregate classification (germline): Conflicting classifications of pathogenicity. Review status: criteria provided, conflicting classifications (1 of 4 stars). 3 submissions from 3 submitters: Uncertain significance (2); Likely benign (1). Last evaluated 2022-08-21.

Allele frequency attached by ClinVar (database versions not stated): gnomAD 0.00002 and 0.00003; gnomAD exomes 0.00005 and 0.00024; TOPMed 0.00009; ExAC 0.00014; 1000 Genomes Project 30x 0.00016; 1000 Genomes Project 0.00020.
gnomAD v4.1: 68 of 1,583,428 alleles (0.0043%); highest among the groups gnomAD compares: Admixed American, 0.097%; no homozygotes.

Submissions (3):

Labcorp Genetics (formerly Invitae), Labcorp
Classification: Uncertain significance. Last evaluated: 2022-08-21. Review status: criteria provided, single submitter. Criteria: Invitae Variant Classification Sherloc (09022015). Collection method: clinical testing. Allele origin: germline.
Comment: This sequence change falls in intron 20 of the LARS2 gene. It does not directly change the encoded amino acid sequence of the LARS2 protein. It affects a nucleotide within the consensus splice site. This variant is present in population databases (rs199693918, gnomAD 0.2%). This variant has not been reported in the literature in individuals affected with LARS2-related conditions. ClinVar contains an entry for this variant (Variation ID: 228790). Variants that disrupt the consensus splice site are a relatively common cause of aberrant splicing (PMID: 17576681, 9536098). Algorithms developed to predict the effect of sequence changes on RNA splicing suggest that this variant is not likely to affect RNA splicing. In summary, the available evidence is currently insufficient to determine the role of this variant in disease. Therefore, it has been classified as a Variant of Uncertain Significance.

GeneDx
Classification: Likely benign. Last evaluated: 2020-09-21. Review status: criteria provided, single submitter. Criteria: GeneDx Variant Classification Process June 2021. Collection method: clinical testing. Allele origin: germline. Affected: yes.

Laboratory for Molecular Medicine, Mass General Brigham Personalized Medicine
Classification: Uncertain significance. Last evaluated: 2016-02-02. Review status: criteria provided, single submitter. Criteria: LMM Criteria. Collection method: clinical testing. Allele origin: germline. Observed: 2 variant alleles.
Comment: Variant classified as Uncertain Significance - Favor Benign. The c.2404+4C>T var iant in LARS2 has not been previously identified in individuals with hearing los s, but has been identified in 0.2% (17/11552) of Latino chromosomes by the Exome Aggregation Consortium (ExAC; dbSNP rs199693918 ). This variant is located in the 5' splice region. Computational tools do not s uggest an impact to splicing. However, this information is not predictive enough to rule out pathogenicity. In summary, while the clinical significance of the c .2404+4C>T variant is uncertain, the frequency and computational data suggest it is more likely to be benign.

Literature cited by the submitters: PubMed 17576681 (cited by Labcorp Genetics (formerly Invitae), Labcorp); PubMed 9536098 (cited by Labcorp Genetics (formerly Invitae), Labcorp).